The following is an entry in ClinVar:

NM_004588.5(SCN2B):c.388A>T (p.Met130Leu)

Gene: SCN2B (sodium voltage-gated channel beta subunit 2; minus strand). Cytogenetic location: 11q23.3.
Variant type: single nucleotide variant.
Coding change: c.388A>T on transcript NM_004588.5 (MANE Select); coding-DNA position 388, A replaced by T.
Protein change: p.Met130Leu; replaces methionine 130 with leucine.
Molecular consequence: missense variant.
Genome position (GRCh38, 1-based): chr11:118,168,145, T>A on the plus strand (A>T on the coding strand, the complement: SCN2B is on the minus strand). VCF-style: chr11-118168145-T-A. GRCh37 (hg19) VCF-style: chr11-118038860-T-A.
Other names: short protein forms M130L.
Identifiers: ClinVar variation 1497551 (VCV001497551.8), dbSNP rs1316023322, ClinGen allele CA382784684.
Genomic context (GRCh38, chr11:118,168,145, plus strand): 5'-CTTCCATGAGGACCTGCAGATGGATCTTGCCATGGCCACGGTGGCGGTCAGGGGGGTTCA[T>A]GATGTAGCAGTTGTAAATCCCCTCATCCTCCGGCTGCACGTTTCTCAGCATCACCGACAC-3'
Protein context (NP_004579.1, residues 120-140): EDEGIYNCYI[Met130Leu]NPPDRHRGHG

ClinVar aggregate classification (germline): Uncertain significance (1 of 4 stars; one submission).

Conditions:
Atrial fibrillation, familial, 14 (ATFB14). Identifiers: MedGen C3809312, MONDO:0014156, OMIM 615378.

Allele frequency attached by ClinVar (database versions not stated): gnomAD exomes below 0.00001.

Submission:

Labcorp Genetics (formerly Invitae), Labcorp
Classification: Uncertain significance for Atrial fibrillation, familial, 14. Last evaluated: 2021-06-09. Review status: criteria provided, single submitter. Criteria: Invitae Variant Classification Sherloc (09022015). Collection method: clinical testing. Allele origin: germline.
Comment: This sequence change replaces methionine with leucine at codon 130 of the SCN2B protein (p.Met130Leu). The methionine residue is moderately conserved and there is a small physicochemical difference between methionine and leucine. This variant is not present in population databases (ExAC no frequency). This variant has not been reported in the literature in individuals with SCN2B-related conditions. Algorithms developed to predict the effect of missense changes on protein structure and function output the following: SIFT: "Tolerated"; PolyPhen-2: "Benign"; Align-GVGD: "Class C0". The leucine amino acid residue is found in multiple mammalian species, suggesting that this missense change does not adversely affect protein function. These predictions have not been confirmed by published functional studies and their clinical significance is uncertain. In summary, the available evidence is currently insufficient to determine the role of this variant in disease. Therefore, it has been classified as a Variant of Uncertain Significance.